The following is an entry in ClinVar:

ClinVar aggregate classification (germline): Pathogenic (1 of 4 stars; one submission).

Allele frequency attached by ClinVar (database versions not stated): TOPMed below 0.00001.

Submission:

Labcorp Genetics (formerly Invitae), Labcorp
Classification: Pathogenic. Last evaluated: 2022-07-05. Review status: criteria provided, single submitter. Criteria: Invitae Variant Classification Sherloc (09022015). Collection method: clinical testing. Allele origin: germline.
Comment: This sequence change creates a premature translational stop signal (p.Glu155*) in the NLRP5 gene. It is expected to result in an absent or disrupted protein product. Loss-of-function variants in NLRP5 are known to be pathogenic (PMID: 11062459, 30877238, 32172300). This variant is not present in population databases (gnomAD no frequency). This variant has not been reported in the literature in individuals affected with NLRP5-related conditions. For these reasons, this variant has been classified as Pathogenic.

Literature cited by the submitters: PubMed 11062459; PubMed 30877238; PubMed 32172300.

NC_000019.10:g.56008808G>T

Gene: NLRP5 (NLR family pyrin domain containing 5; plus strand). Cytogenetic location: 19q13.43.
Variant type: single nucleotide variant.
Genome position: GRCh38 VCF-style: chr19-56008808-G-T. GRCh37 (hg19) VCF-style: chr19-56520174-G-T.
Identifiers: ClinVar variation 2069859 (VCV002069859.1), dbSNP rs1568483598, ClinGen allele CA407595078.